The following is an entry in ClinVar:

ClinVar aggregate classification (germline): Uncertain significance (1 of 4 stars; one submission).

gnomAD v4.1: 1 of 1,614,176 alleles (0.000062%); highest among the groups gnomAD compares: Non-Finnish European, 0.000085%; no homozygotes.

Submission:

Labcorp Genetics (formerly Invitae), Labcorp
Classification: Uncertain significance. Last evaluated: 2020-06-08. Review status: criteria provided, single submitter. Criteria: Invitae Variant Classification Sherloc (09022015). Collection method: clinical testing. Allele origin: germline.
Comment: This variant is not present in population databases (ExAC no frequency). In summary, the available evidence is currently insufficient to determine the role of this variant in disease. Therefore, it has been classified as a Variant of Uncertain Significance. Algorithms developed to predict the effect of missense changes on protein structure and function are either unavailable or do not agree on the potential impact of this missense change (SIFT: "Tolerated"; PolyPhen-2: "Possibly Damaging"; Align-GVGD: "Class C0"). This variant has not been reported in the literature in individuals with EMC1-related conditions. This sequence change replaces asparagine with isoleucine at codon 102 of the EMC1 protein (p.Asn102Ile). The asparagine residue is moderately conserved and there is a large physicochemical difference between asparagine and isoleucine.

NM_015047.3(EMC1):c.305A>T (p.Asn102Ile)

Gene: EMC1 (ER membrane protein complex subunit 1; minus strand). Cytogenetic location: 1p36.13.
Variant type: single nucleotide variant.
Coding change: c.305A>T on transcript NM_015047.3 (MANE Select); coding-DNA position 305, A replaced by T.
Protein change: p.Asn102Ile; replaces asparagine 102 with isoleucine.
Molecular consequence: missense variant.
Genome position (GRCh38, 1-based): chr1:19,243,689, T>A on the plus strand (A>T on the coding strand, the complement: EMC1 is on the minus strand). VCF-style: chr1-19243689-T-A. GRCh37 (hg19) VCF-style: chr1-19570183-T-A.
Other names: c.305A>T, p.Asn102Ile (NM_001271427.2, NM_001271428.2, NM_001375820.1 and 1 more transcripts); c.239A>T, p.Asn80Ile (NM_001271429.2); short protein forms N80I, N102I.
Identifiers: ClinVar variation 1047720 (VCV001047720.8), dbSNP rs371844391, ClinGen allele CA338772383.
Genomic context (GRCh38, chr1:19,243,689, plus strand): 5'-GTTATCTCCCAGTTCAGGCCCCCGATGTTAGTCTCCCAGGAACGCATGATTCGGCCTCCA[T>A]TGGACACAGTGATCACATCTGGAAAAGAAAAGATCGTGGTGAAGTCATTTCCCACTTGCT-3'
Protein context (NP_055862.1, residues 92-112): LHGQDVITVS[Asn102Ile]GGRIMRSWET